The following is an entry in ClinVar:

ClinVar aggregate classification (germline): Conflicting classifications of pathogenicity. Review status: criteria provided, conflicting classifications (1 of 4 stars). 3 submissions from 3 submitters: Likely pathogenic (2); Uncertain significance (1). Last evaluated 2025-09-04.

Conditions:
Brody myopathy. Also called: BRODY DISEASE. Identifiers: Orphanet 53347, MedGen C1832918, MONDO:0010977, OMIM 601003.

Submissions (3):

First Genomix Gene Laboratory, Genetic Diagnostics Department
Classification: Likely pathogenic for Brody myopathy. Last evaluated: 2025-09-04. Review status: criteria provided, single submitter. Criteria: ACMG Guidelines, 2015. Collection method: clinical testing. Allele origin: germline. Inheritance: Autosomal recessive inheritance. Affected: no. Observed: 1 variant allele.

Labcorp Genetics (formerly Invitae), Labcorp
Classification: Uncertain significance for Brody myopathy. Last evaluated: 2022-08-06. Review status: criteria provided, single submitter. Criteria: Invitae Variant Classification Sherloc (09022015). Collection method: clinical testing. Allele origin: germline.
Comment: This variant, c.198_200del, results in the deletion of 1 amino acid(s) of the ATP2A1 protein (p.Leu67del), but otherwise preserves the integrity of the reading frame. This variant is present in population databases (rs753865718, gnomAD 0.02%). This variant has been observed in individuals with Brody disease (PMID: 20142766, 32040565). This variant is also known as Leu65del. ClinVar contains an entry for this variant (Variation ID: 577576). Algorithms developed to predict the effect of variants on protein structure and function are not available or were not evaluated for this variant. Experimental studies have shown that this variant affects ATP2A1 function (PMID: 20142766). In summary, the available evidence is currently insufficient to determine the role of this variant in disease. Therefore, it has been classified as a Variant of Uncertain Significance.

CeGaT Center for Human Genetics Tuebingen
Classification: Likely pathogenic. Last evaluated: 2021-10-01. Review status: criteria provided, single submitter. Criteria: CeGaT Center For Human Genetics Tuebingen Variant Classification Criteria Version 2. Collection method: clinical testing. Allele origin: germline. Affected: yes. Observed: 1 variant allele.

Literature cited by the submitters: PubMed 20142766 (cited by Labcorp Genetics (formerly Invitae), Labcorp); PubMed 32040565 (cited by Labcorp Genetics (formerly Invitae), Labcorp).

NM_004320.6(ATP2A1):c.195CCT[1] (p.Leu67del)

Genes: ATP2A1-AS1 (ATP2A1 antisense RNA 1; minus strand), ATP2A1 (ATPase sarcoplasmic/endoplasmic reticulum Ca2+ transporting 1; plus strand). Cytogenetic location: 16p11.2.
Variant type: Microsatellite.
Coding change: c.195CCT[1] on transcript NM_004320.6 (MANE Select); one copy of the 3-base unit CCT starting at c.195; the reference has two copies in a row; one copy, 3 bases deleted.
Protein change: p.Leu67del; deletes leucine 67.
Molecular consequence: inframe deletion. On other transcripts: non-coding transcript variant (4).
Genome position (GRCh38, 1-based): chr16:28,879,562-28,879,564, CCT deleted; deleting any 3 consecutive bases within chr16:28,879,557-28,879,564 gives the same sequence; the position shown is the placement nearest the transcript's 3' end. VCF-style (leftmost placement, unchanged base first): chr16-28879556-TCTC-T. GRCh37 (hg19) VCF-style: chr16-28890877-TCTC-T.
Other names: c.198_200delCCT (NM_173201.5); c.198_200del (NM_173201.3); c.195CCT[1], p.Leu67del (NM_173201.5); short protein forms L67del.
Identifiers: ClinVar variation 577576 (VCV000577576.41), dbSNP rs753865718, ClinGen allele CA7986564.